The following is an entry in ClinVar:

NM_001374623.1(PNPLA1):c.417_418delinsTC (p.Ser140Pro)

Gene: PNPLA1 (patatin like domain 1, omega-hydroxyceramide transacylase; plus strand). Cytogenetic location: 6p21.31.
Variant type: Indel.
Coding change: c.417_418delinsTC on transcript NM_001374623.1 (MANE Select); coding-DNA positions 417 to 418, GT replaced by TC.
Protein change: p.Ser140Pro; replaces serine 140 with proline.
Molecular consequence: missense variant.
Genome position (GRCh38, 1-based): chr6:36,291,531-36,291,532, GT replaced by TC. VCF-style: chr6-36291531-GT-TC. GRCh37 (hg19) VCF-style: chr6-36259308-GT-TC.
Other names: c.132_133delinsTC, p.Ser45Pro (NM_001145716.2, NM_173676.2); c.417_418delinsTC, p.Ser140Pro (NM_001145717.1); short protein forms S140P, S45P.
Identifiers: ClinVar variation 3335972 (VCV003335972.3).

ClinVar aggregate classification (germline): Pathogenic. Review status: criteria provided, multiple submitters, no conflicts (2 of 4 stars). 3 submissions from 3 submitters: Pathogenic (3). Last evaluated 2024-05-16.

Conditions:
PNPLA1-related disorder. Also called: PNPLA1-related condition.
Lamellar ichthyosis. Identifiers: Orphanet 313, MedGen C5848247, MONDO:0017778.
Autosomal recessive congenital ichthyosis 10 (ARCI10). Identifiers: Orphanet 79394, MedGen C3554355, MONDO:0014011, OMIM 615024.

Submissions (3):

Fulgent Genetics
Classification: Pathogenic for Autosomal recessive congenital ichthyosis 10. Last evaluated: 2024-05-16. Review status: criteria provided, single submitter. Criteria: ACMG Guidelines, 2015. Collection method: clinical testing. Allele origin: germline.

Women's Health and Genetics/Laboratory Corporation of America, LabCorp
Classification: Pathogenic for Lamellar ichthyosis. Last evaluated: 2024-05-14. Review status: criteria provided, single submitter. Criteria: LabCorp Variant Classification Summary - May 2015. Collection method: clinical testing. Allele origin: germline.
Comment: Variant summary: PNPLA1 c.417_418delinsTC (p.Ser140Pro) results in a non-conservative amino acid change in the encoded protein sequence. Four of five in-silico tools predict a damaging effect of the variant on protein function. The variant allele, as a combination of 6-36259308-G-A (c.417G>A, p.Thr139Thr) and 6-36259309-T-C (c.418T>C, p.Ser140Pro), was found at a frequency of 8.2e-06 in 242832 control chromosomes (gnomAD). c.417_418delinsTC has been reported in the literature as a biallelic genotype in multiple individuals affected with Lamellar Ichthyosis and evidence suggests it may have founder effects in the Spanish population (e.g. Espern-Moldes_2019). These data indicate that the variant is very likely to be associated with disease. To our knowledge, no experimental evidence demonstrating an impact on protein function has been reported. The following publication has been ascertained in the context of this evaluation (PMID: 31120544). No submitters have cited clinical-significance assessments for this variant to ClinVar. Based on the evidence outlined above, the variant was classified as pathogenic.

Blueprint Genetics
Classification: Pathogenic for PNPLA1-related disorders. Last evaluated: 2022-11-08. Review status: criteria provided, single submitter. Criteria: ACMG Guidelines, 2015. Collection method: clinical testing. Allele origin: germline. Affected: yes. Observed: 1 variant allele.

Literature cited by the submitters: PubMed 31120544 (cited by Women's Health and Genetics/Laboratory Corporation of America, LabCorp).